The following is an entry in ClinVar:

ClinVar aggregate classification (germline): Uncertain significance. Review status: criteria provided, multiple submitters, no conflicts (2 of 4 stars). 2 submissions from 2 submitters: Uncertain significance (2). Last evaluated 2023-04-05.

Conditions:
Inborn genetic diseases. Identifiers: MedGen C0950123, MeSH D030342.
Smith-Lemli-Opitz syndrome (SLOS). Also called: LETHAL ACRODYSGENITAL SYNDROME; POLYDACTYLY, SEX REVERSAL, RENAL HYPOPLASIA, AND UNILOBAR LUNG; RSH SYNDROME; RUTLEDGE LETHAL MULTIPLE CONGENITAL ANOMALY SYNDROME; 7-Dehydrocholesterol reductase deficiency. Identifiers: Orphanet 818, MedGen C0175694, MONDO:0010035, OMIM 270400.

Allele frequency attached by ClinVar (database versions not stated): gnomAD exomes 0.00001; TOPMed 0.00001; ExAC 0.00005.
gnomAD v4.1: 20 of 1,612,736 alleles (0.0012%); highest among the groups gnomAD compares: Middle Eastern, 0.18%; no homozygotes.

Submissions (2):

Ambry Genetics
Classification: Uncertain significance for Inborn genetic diseases. Last evaluated: 2023-04-05. Review status: criteria provided, single submitter. Criteria: Ambry Variant Classification Scheme 2023. Collection method: clinical testing. Allele origin: germline.
Comment: The p.E460G variant (also known as c.1379A>G), located in coding exon 7 of the DHCR7 gene, results from an A to G substitution at nucleotide position 1379. The glutamic acid at codon 460 is replaced by glycine, an amino acid with similar properties. This amino acid position is conserved. In addition, the in silico prediction for this alteration is inconclusive. Since supporting evidence is limited at this time, the clinical significance of this alteration remains unclear.

Labcorp Genetics (formerly Invitae), Labcorp
Classification: Uncertain significance for Smith-Lemli-Opitz syndrome. Last evaluated: 2022-03-29. Review status: criteria provided, single submitter. Criteria: Invitae Variant Classification Sherloc (09022015). Collection method: clinical testing. Allele origin: germline.
Comment: This sequence change replaces glutamic acid, which is acidic and polar, with glycine, which is neutral and non-polar, at codon 460 of the DHCR7 protein (p.Glu460Gly). This variant is present in population databases (rs777838196, gnomAD 0.004%). This variant has not been reported in the literature in individuals affected with DHCR7-related conditions. Algorithms developed to predict the effect of missense changes on protein structure and function are either unavailable or do not agree on the potential impact of this missense change (SIFT: "Deleterious"; PolyPhen-2: "Benign"; Align-GVGD: "Class C0"). In summary, the available evidence is currently insufficient to determine the role of this variant in disease. Therefore, it has been classified as a Variant of Uncertain Significance.

NM_001360.3(DHCR7):c.1379A>G (p.Glu460Gly)

Gene: DHCR7 (7-dehydrocholesterol reductase; minus strand). Cytogenetic location: 11q13.4.
Variant type: single nucleotide variant.
Coding change: c.1379A>G on transcript NM_001360.3 (MANE Select); coding-DNA position 1379, A replaced by G.
Protein change: p.Glu460Gly; replaces glutamic acid 460 with glycine.
Molecular consequence: missense variant.
Genome position (GRCh38, 1-based): chr11:71,435,424, T>C on the plus strand (A>G on the coding strand, the complement: DHCR7 is on the minus strand). VCF-style: chr11-71435424-T-C. GRCh37 (hg19) VCF-style: chr11-71146470-T-C.
Other names: c.1379A>G, p.Glu460Gly (NM_001163817.2); short protein forms E460G.
Identifiers: ClinVar variation 2043101 (VCV002043101.3), dbSNP rs777838196, ClinGen allele CA6162243.